The following is an entry in ClinVar:

NM_021072.4(HCN1):c.2535G>T (p.Met845Ile)

Gene: HCN1 (hyperpolarization activated cyclic nucleotide gated potassium channel 1; minus strand). Cytogenetic location: 5p12.
Variant type: single nucleotide variant.
Coding change: c.2535G>T on transcript NM_021072.4 (MANE Select); coding-DNA position 2535, G replaced by T.
Protein change: p.Met845Ile; replaces methionine 845 with isoleucine.
Molecular consequence: missense variant.
Genome position (GRCh38, 1-based): chr5:45,262,059, C>A on the plus strand (G>T on the coding strand, the complement: HCN1 is on the minus strand). VCF-style: chr5-45262059-C-A. GRCh37 (hg19) VCF-style: chr5-45262161-C-A.
Other names: short protein forms M845I.
Identifiers: ClinVar variation 4881110 (VCV004881110.2).

ClinVar aggregate classification (germline): Uncertain significance (1 of 4 stars; one submission).

Conditions:
Developmental and epileptic encephalopathy, 24 (DEE24). Also called: Epileptic encephalopathy, early infantile, 24. Identifiers: Orphanet 442835, MedGen C4014531, MONDO:0014377, OMIM 615871.

Submission:

Dasa
Classification: Uncertain significance for Developmental and epileptic encephalopathy, 24. Last evaluated: 2025-07-29. Review status: criteria provided, single submitter. Criteria: DASA Assertion Criteria. Collection method: clinical testing. Allele origin: germline.
Comment: NM_021072.4(HCN1):c.2535G>T (p.Met845Ile) is a missense variant that results in the substitution of methionine with isoleucine. This variant is absent from population databases. The currently available literature and clinical evidence are not sufficient to establish a definitive association between this variant and the reported condition. Therefore, this variant is classified as a variant of uncertain significance.